The following is an entry in ClinVar:

ClinVar aggregate classification (germline): Uncertain significance (1 of 4 stars; one submission).

Conditions:
Renal hypodysplasia/aplasia 3 (RHDA3). Identifiers: MedGen C4540497, MONDO:0024520, OMIM 617805.
Hearing loss, autosomal dominant 80. Also called: DEAFNESS, AUTOSOMAL DOMINANT 80. Identifiers: MedGen C5543289, MONDO:0030998, OMIM 619274.

Submission:

Juno Genomics, Hangzhou Juno Genomics, Inc
Classification: Uncertain significance for Hearing loss, autosomal dominant 80; Renal hypodysplasia/aplasia 3. Review status: criteria provided, single submitter. Criteria: ACMG Guidelines, 2015. Collection method: clinical testing. Allele origin: germline. Affected: yes.
Comment: Null variant in a gene where loss of function (LOF) is a known mechanism of disease.;Absent from controls (or at extremely low frequency if recessive) in Genome Aggregation Database, Exome Sequencing Project, 1000 Genomes Project, or Exome Aggregation Consortium.

NM_001142966.3(GREB1L):c.2183-2A>G

Gene: GREB1L (GREB1 like retinoic acid receptor coactivator; plus strand). Cytogenetic location: 18q11.1.
Variant type: single nucleotide variant.
Coding change: c.2183-2A>G on transcript NM_001142966.3 (MANE Select); the canonical splice acceptor site of the intron before coding-DNA position 2183, A replaced by G.
Molecular consequence: splice acceptor variant.
Genome position (GRCh38, 1-based): chr18:21,473,029, A>G. VCF-style: chr18-21473029-A-G. GRCh37 (hg19) VCF-style: chr18-19052990-A-G.
Other names: c.2312-2A>G (NM_001410867.1); c.1856-2A>G (NM_001410868.1).
Identifiers: ClinVar variation 3382569 (VCV003382569.2).
Genomic context (GRCh38, chr18:21,473,029, plus strand): 5'-CTCCTGTGTGTGTGTGTATGTGTAAAAGTGTGTTAAAAGATGAACTTTTTTCTTCTTGGC[A>G]GGTGTCCTTGTAGACTTGGGTCTGGAGGAAAATGGGACAGCCCATCAGAGAGCAGAAAAA-3'